The following is an entry in ClinVar:

NM_001375524.1(TRRAP):c.1581C>T (p.Phe527=)

Gene: TRRAP (transformation/transcription domain associated protein; plus strand). Cytogenetic location: 7q22.1.
Variant type: single nucleotide variant.
Coding change: c.1581C>T on transcript NM_001375524.1 (MANE Select); coding-DNA position 1581, C replaced by T.
Protein change: p.Phe527=; no amino-acid change (phenylalanine 527 retained).
Molecular consequence: synonymous variant.
Genome position (GRCh38, 1-based): chr7:98,910,286, C>T. VCF-style: chr7-98910286-C-T. GRCh37 (hg19) VCF-style: chr7-98507909-C-T.
Other names: c.1581C>T, p.Phe527= (NM_001244580.2, NM_003496.4).
Identifiers: ClinVar variation 2177740 (VCV002177740.29), dbSNP rs138096391, ClinGen allele CA4359570.

ClinVar aggregate classification (germline): Likely benign. Review status: criteria provided, multiple submitters, no conflicts (2 of 4 stars). 3 submissions from 3 submitters: Likely benign (3). Last evaluated 2026-01-05.

Allele frequency attached by ClinVar (database versions not stated): gnomAD 0.00005; ExAC 0.00006; gnomAD exomes 0.00007; ESP Exome Variant Server 0.00015.
gnomAD v4.1: 113 of 1,603,596 alleles (0.007%); highest among the groups gnomAD compares: Non-Finnish European, 0.0082%; no homozygotes.

Submissions (3):

Labcorp Genetics (formerly Invitae), Labcorp
Classification: Likely benign. Last evaluated: 2026-01-05. Review status: criteria provided, single submitter. Criteria: Invitae Variant Classification Sherloc (09022015). Collection method: clinical testing. Allele origin: germline.

Blueprint Genetics
Classification: Likely benign. Last evaluated: 2024-10-02. Review status: criteria provided, single submitter. Criteria: ACMG Guidelines, 2015. Collection method: clinical testing. Allele origin: germline.

CeGaT Center for Human Genetics Tuebingen
Classification: Likely benign. Last evaluated: 2024-05-01. Review status: criteria provided, single submitter. Criteria: CeGaT Center For Human Genetics Tuebingen Variant Classification Criteria Version 2. Collection method: clinical testing. Allele origin: germline. Affected: yes. Observed: 2 variant alleles.
Comment: TRRAP: BP4, BP7